The following is an entry in ClinVar:

ClinVar aggregate classification (germline): Uncertain significance (1 of 4 stars; one submission).

Conditions:
Hypertrophic cardiomyopathy 26. Also called: Cardiomyopathy, familial hypertrophic, 26. Identifiers: Orphanet 75249, MedGen C4310749, MONDO:0014883, OMIM 617047.
Myofibrillar myopathy 5. Also called: Filaminopathy (type); FILAMINOPATHY, AUTOSOMAL DOMINANT. Identifiers: Orphanet 171445, MedGen C1836050, MONDO:0012289, OMIM 609524.
Distal myopathy with posterior leg and anterior hand involvement. Also called: WILLIAMS DISTAL MYOPATHY. Identifiers: Orphanet 63273, MedGen C3279722, MONDO:0013550, OMIM 614065.

Allele frequency attached by ClinVar (database versions not stated): TOPMed 0.00001.

Submission:

Labcorp Genetics (formerly Invitae), Labcorp
Classification: Uncertain significance for Distal myopathy with posterior leg and anterior hand involvement; Myofibrillar myopathy 5; Hypertrophic cardiomyopathy 26. Last evaluated: 2023-10-13. Review status: criteria provided, single submitter. Criteria: Invitae Variant Classification Sherloc (09022015). Collection method: clinical testing. Allele origin: germline.
Comment: This sequence change replaces isoleucine, which is neutral and non-polar, with phenylalanine, which is neutral and non-polar, at codon 608 of the FLNC protein (p.Ile608Phe). This variant is not present in population databases (gnomAD no frequency). This variant has not been reported in the literature in individuals affected with FLNC-related conditions. Advanced modeling of protein sequence and biophysical properties (such as structural, functional, and spatial information, amino acid conservation, physicochemical variation, residue mobility, and thermodynamic stability) has been performed at Invitae for this missense variant, however the output from this modeling did not meet the statistical confidence thresholds required to predict the impact of this variant on FLNC protein function. In summary, the available evidence is currently insufficient to determine the role of this variant in disease. Therefore, it has been classified as a Variant of Uncertain Significance.

NM_001458.5(FLNC):c.1822A>T (p.Ile608Phe)

Gene: FLNC (filamin C; plus strand). Cytogenetic location: 7q32.1.
Variant type: single nucleotide variant.
Coding change: c.1822A>T on transcript NM_001458.5 (MANE Select); coding-DNA position 1822, A replaced by T.
Protein change: p.Ile608Phe; replaces isoleucine 608 with phenylalanine.
Molecular consequence: missense variant.
Genome position (GRCh38, 1-based): chr7:128,841,178, A>T. VCF-style: chr7-128841178-A-T. GRCh37 (hg19) VCF-style: chr7-128481232-A-T.
Other names: c.1822A>T, p.Ile608Phe (NM_001127487.2); short protein forms I608F.
Identifiers: ClinVar variation 2929498 (VCV002929498.3), dbSNP rs779240577, ClinGen allele CA166217101.
Genomic context (GRCh38, chr7:128,841,178, plus strand): 5'-GGAAGGGTCTTGCCTGATGCTGGATCCCCGACCCTCCCCCACCTTGCCCCAGGCTTCTCC[A>T]TCGAGGGGCCCTCACAAGCCAAGATCGAATGTGACGACAAGGGGGATGGCTCCTGCGATG-3'
Protein context (NP_001449.3, residues 598-618): GTEVGTLGFS[Ile608Phe]EGPSQAKIEC